The following is an entry in ClinVar:

ClinVar aggregate classification (germline): Uncertain significance (1 of 4 stars; one submission).

gnomAD v4.1: 55 of 1,611,060 alleles (0.0034%); highest among the groups gnomAD compares: Non-Finnish European, 0.0041%; no homozygotes.

Submission:

Women's Health and Genetics/Laboratory Corporation of America, LabCorp
Classification: Uncertain significance. Last evaluated: 2026-06-09. Review status: criteria provided, single submitter. Criteria: LabCorp Variant Classification Summary - May 2015. Collection method: clinical testing. Allele origin: germline.
Comment: Variant summary: VWA1 c.319C>T (p.Arg107Cys) results in a non-conservative amino acid change in the encoded protein sequence. Algorithms developed to predict the effect of missense changes on protein structure and function all suggest that this variant is likely to be disruptive. The variant allele was found at a frequency of 8.2e-06 in 245016 control chromosomes. The available data on variant occurrences in the general population are insufficient to allow any conclusion about variant significance. To our knowledge, no occurrence of c.319C>T in individuals affected with VWA1-related conditions and no experimental evidence demonstrating its impact on protein function have been reported. No submitters have cited clinical-significance assessments for this variant to ClinVar. Based on the evidence outlined above, the variant was classified as uncertain significance.

NM_022834.5(VWA1):c.319C>T (p.Arg107Cys)

Gene: VWA1 (von Willebrand factor A domain containing 1; plus strand). Cytogenetic location: 1p36.33.
Variant type: single nucleotide variant.
Coding change: c.319C>T on transcript NM_022834.5 (MANE Select); coding-DNA position 319, C replaced by T.
Protein change: p.Arg107Cys; replaces arginine 107 with cysteine.
Molecular consequence: missense variant. On other transcripts: intron variant (1).
Genome position (GRCh38, 1-based): chr1:1,437,172, C>T. VCF-style: chr1-1437172-C-T. GRCh37 (hg19) VCF-style: chr1-1372552-C-T.
Other names: c.74-150C>T (NM_199121.3); short protein forms R107C.
Identifiers: ClinVar variation 4887415 (VCV004887415.1).